The following is an entry in ClinVar:

ClinVar aggregate classification (germline): Likely benign (0 of 4 stars; one submission).

Conditions:
TEX15-related disorder. Also called: TEX15-related condition.

Allele frequency attached by ClinVar (database versions not stated): ESP Exome Variant Server 0.00085; gnomAD 0.00105; 1000 Genomes Project 0.00120; TOPMed 0.00127; 1000 Genomes Project 30x 0.00172.
gnomAD v4.1: 394 of 1,614,128 alleles (0.024%); highest among the groups gnomAD compares: African/African-American, 0.39%; no homozygotes.

Submission:

PreventionGenetics, part of Exact Sciences
Classification: Likely benign for TEX15-related condition. Last evaluated: 2022-02-03. Review status: no assertion criteria provided. Collection method: clinical testing. Allele origin: germline.
Comment: This variant is classified as likely benign based on ACMG/AMP sequence variant interpretation guidelines (Richards et al. 2015 PMID: 25741868, with internal and published modifications).

NM_001350162.2(TEX15):c.8331A>C (p.Leu2777=)

Gene: TEX15 (testis expressed 15, meiosis and synapsis associated; minus strand). Cytogenetic location: 8p12.
Variant type: single nucleotide variant.
Coding change: c.8331A>C on transcript NM_001350162.2 (MANE Select); coding-DNA position 8331, A replaced by C.
Protein change: p.Leu2777=; no amino-acid change (leucine 2777 retained).
Molecular consequence: synonymous variant.
Genome position (GRCh38, 1-based): chr8:30,837,953, T>G on the plus strand (A>C on the coding strand, the complement: TEX15 is on the minus strand). VCF-style: chr8-30837953-T-G. GRCh37 (hg19) VCF-style: chr8-30695469-T-G.
Other names: c.7182A>C, p.Leu2394= (NM_031271.3).
Identifiers: ClinVar variation 3035454 (VCV003035454.2), dbSNP rs139782205, ClinGen allele CA4702322.
Genomic context (GRCh38, chr8:30,837,953, plus strand): 5'-GCTTTCCGACTTTGATGCGCAAGTGTCTTTTGGGTTCTCTAAGGGTAAAAGTGAGCCAGG[T>G]AGTGATCTTTGCATTTCAACCTTTTTTGGCGTTAAATGATTTCTTTTCAGACTGTCACAT-3'
Protein context (NP_001337091.1, residues 2767-2787): TPKKVEMQRS[Leu2777=]PGSLLPLENP